The following is an entry in ClinVar:

NM_006940.6(SOX5):c.1676C>T (p.Pro559Leu)

Gene: SOX5 (SRY-box transcription factor 5; minus strand). Cytogenetic location: 12p12.1.
Variant type: single nucleotide variant.
Coding change: c.1676C>T on transcript NM_006940.6 (MANE Select); coding-DNA position 1676, C replaced by T.
Protein change: p.Pro559Leu; replaces proline 559 with leucine.
Molecular consequence: missense variant.
Genome position (GRCh38, 1-based): chr12:23,543,306, G>A on the plus strand (C>T on the coding strand, the complement: SOX5 is on the minus strand). VCF-style: chr12-23543306-G-A. GRCh37 (hg19) VCF-style: chr12-23696240-G-A.
Other names: c.1313C>T, p.Pro438Leu (NM_001261414.3); c.1646C>T, p.Pro549Leu (NM_001261415.3); c.1571C>T, p.Pro524Leu (NM_001330785.2); c.1637C>T, p.Pro546Leu (NM_152989.5); c.518C>T, p.Pro173Leu (NM_178010.4); short protein forms P173L, P438L, P524L, P546L, P549L, P559L.
Identifiers: ClinVar variation 2501978 (VCV002501978.1), dbSNP rs2547813256, ClinGen allele CA384319903.
Genomic context (GRCh38, chr12:23,543,306, plus strand): 5'-GGAAAGGCTTGAAGGATCTTTCTCCGTTCATCTTTAGCCCACACCATGAAGGCATTCATT[G>A]GACGCTTTATGTGGGGTTCATTGCTACCACGCCCTCGGGATTCCCTATAAATTCTTGACT-3'
Protein context (NP_008871.3, residues 549-569): RGSNEPHIKR[Pro559Leu]MNAFMVWAKD

ClinVar aggregate classification (germline): Pathogenic (1 of 4 stars; one submission).

Submission:

GeneDx
Classification: Pathogenic. Last evaluated: 2023-05-05. Review status: criteria provided, single submitter. Criteria: GeneDx Variant Classification Process June 2021. Collection method: clinical testing. Allele origin: germline. Affected: yes.
Comment: Not observed at significant frequency in large population cohorts (gnomAD); In silico analysis supports that this missense variant has a deleterious effect on protein structure/function; This variant is associated with the following publications: (PMID: 36861937)